The following is an entry in ClinVar:

NM_000218.3(KCNQ1):c.386+16216G>A

Gene: KCNQ1 (potassium voltage-gated channel subfamily Q member 1; plus strand). Cytogenetic location: 11p15.5.
Variant type: single nucleotide variant.
Coding change: c.386+16216G>A on transcript NM_000218.3 (MANE Select); 16216 bases into the intron after coding-DNA position 386, G replaced by A.
Molecular consequence: intron variant.
Genome position (GRCh38, 1-based): chr11:2,461,700, G>A. VCF-style: chr11-2461700-G-A. GRCh37 (hg19) VCF-style: chr11-2482930-G-A.
Other names: c.-10G>A (NM_181798.2).
Identifiers: ClinVar variation 138003 (VCV000138003.7), dbSNP rs201090517, ClinGen allele CA006941.

ClinVar aggregate classification (germline): Conflicting classifications of pathogenicity. Review status: criteria provided, conflicting classifications (1 of 4 stars). 4 submissions from 4 submitters: Uncertain significance (1); Benign (1); Likely benign (1). 1 of the submissions does not count toward it. Last evaluated 2026-03-27.

Conditions:
KCNQ1-related disorder. Also called: KCNQ1-related condition; KCNQ1-related disorders. Identifiers: MedGen CN239322.

Allele frequency attached by ClinVar (database versions not stated): ExAC 0.00007; TOPMed 0.00019; 1000 Genomes Project 30x 0.00016; gnomAD 0.00019; 1000 Genomes Project 0.00020.
gnomAD v4.1: 73 of 1,367,146 alleles (0.0053%); highest among the groups gnomAD compares: African/African-American, 0.066%; no homozygotes.

Submissions (4):

Molecular Diagnostic Laboratory for Inherited Cardiovascular Disease, Montreal Heart Institute
Classification: Likely benign. Last evaluated: 2026-03-27. Review status: criteria provided, single submitter. Criteria: ACMG Guidelines, 2015. Collection method: clinical testing. Allele origin: germline. Affected: no.
Comment: BP4

Athena Diagnostics
Classification: Uncertain significance. Last evaluated: 2018-05-25. Review status: criteria provided, single submitter. Criteria: Athena Diagnostics Criteria. Collection method: clinical testing. Allele origin: germline.

GeneDx
Classification: Benign. Last evaluated: 2014-01-08. Review status: criteria provided, single submitter. Criteria: GeneDx Variant Classification (06012015). Collection method: clinical testing. Allele origin: germline. Affected: yes.
Comment: This variant is considered likely benign or benign based on one or more of the following criteria: it is a conservative change, it occurs at a poorly conserved position in the protein, it is predicted to be benign by multiple in silico algorithms, and/or has population frequency not consistent with disease.

PreventionGenetics, part of Exact Sciences
Classification: Likely benign for KCNQ1-related condition. Last evaluated: 2023-10-20. Review status: no assertion criteria provided. Collection method: clinical testing. Allele origin: germline. Not counted in ClinVar's aggregate classification.
Comment: This variant is classified as likely benign based on ACMG/AMP sequence variant interpretation guidelines (Richards et al. 2015 PMID: 25741868, with internal and published modifications).